The following is an entry in ClinVar:

ClinVar aggregate classification (germline): Uncertain significance (1 of 4 stars; one submission).

Conditions:
Diffuse cerebral and cerebellar atrophy - intractable seizures - progressive microcephaly syndrome. Also called: Microcephaly, progressive, with seizures and cerebral and cerebellar atrophy. Identifiers: Orphanet 404437, MedGen C4014239, MONDO:0014335, OMIM 615760.

Allele frequency attached by ClinVar (database versions not stated): TOPMed below 0.00001; ExAC 0.00002; gnomAD exomes 0.00002.
gnomAD v4.1: 9 of 1,614,222 alleles (0.00056%); highest among the groups gnomAD compares: East Asian, 0.0045%; no homozygotes.

Submission:

Labcorp Genetics (formerly Invitae), Labcorp
Classification: Uncertain significance for Diffuse cerebral and cerebellar atrophy - intractable seizures - progressive microcephaly syndrome. Last evaluated: 2022-06-27. Review status: criteria provided, single submitter. Criteria: Invitae Variant Classification Sherloc (09022015). Collection method: clinical testing. Allele origin: germline.
Comment: This sequence change replaces arginine, which is basic and polar, with histidine, which is basic and polar, at codon 391 of the QARS protein (p.Arg391His). This variant is present in population databases (rs746827969, gnomAD 0.01%). This variant has not been reported in the literature in individuals affected with QARS-related conditions. Algorithms developed to predict the effect of missense changes on protein structure and function are either unavailable or do not agree on the potential impact of this missense change (SIFT: "Deleterious"; PolyPhen-2: "Benign"; Align-GVGD: "Class C0"). In summary, the available evidence is currently insufficient to determine the role of this variant in disease. Therefore, it has been classified as a Variant of Uncertain Significance.

NM_005051.3(QARS1):c.1172G>A (p.Arg391His)

Gene: QARS1 (glutaminyl-tRNA synthetase 1; minus strand). Cytogenetic location: 3p21.31.
Variant type: single nucleotide variant.
Coding change: c.1172G>A on transcript NM_005051.3 (MANE Select); coding-DNA position 1172, G replaced by A.
Protein change: p.Arg391His; replaces arginine 391 with histidine.
Molecular consequence: missense variant. On other transcripts: non-coding transcript variant (1).
Genome position (GRCh38, 1-based): chr3:49,100,084, C>T on the plus strand (G>A on the coding strand, the complement: QARS1 is on the minus strand). VCF-style: chr3-49100084-C-T. GRCh37 (hg19) VCF-style: chr3-49137517-C-T.
Other names: c.1139G>A, p.Arg380His (NM_001272073.2); short protein forms R391H, R380H.
Identifiers: ClinVar variation 1430451 (VCV001430451.5), dbSNP rs746827969, ClinGen allele CA2391849.